The following is an entry in ClinVar:

NM_000341.4(SLC3A1):c.568A>G (p.Met190Val)

Gene: SLC3A1 (solute carrier family 3 member 1; plus strand). Cytogenetic location: 2p21.
Variant type: single nucleotide variant.
Coding change: c.568A>G on transcript NM_000341.4 (MANE Select); coding-DNA position 568, A replaced by G.
Protein change: p.Met190Val; replaces methionine 190 with valine.
Molecular consequence: missense variant.
Genome position (GRCh38, 1-based): chr2:44,280,853, A>G. VCF-style: chr2-44280853-A-G. GRCh37 (hg19) VCF-style: chr2-44507992-A-G.
Other names: short protein forms M190V.
Identifiers: ClinVar variation 3358622 (VCV003358622.2).

ClinVar aggregate classification (germline): Uncertain significance. Review status: criteria provided, single submitter (1 of 4 stars). 2 submissions from 2 submitters: Uncertain significance (1). 1 of the submissions does not count toward it. Last evaluated 2024-06-19.

Conditions:
Cystinuria (CSNU). Also called: CYSTINURIA, TYPE I; CYSTINURIA, TYPE II; CYSTINURIA, TYPE III; Cystinuria, non-type I. Identifiers: Orphanet 214, MedGen C0010691, MONDO:0009067, OMIM 220100, HP:0003131.
SLC3A1-related disorder. Also called: SLC3A1-related condition.

Submissions (2):

Fulgent Genetics
Classification: Uncertain significance for Cystinuria. Last evaluated: 2024-06-19. Review status: criteria provided, single submitter. Criteria: ACMG Guidelines, 2015. Collection method: clinical testing. Allele origin: germline.

PreventionGenetics, part of Exact Sciences
Classification: Uncertain significance for SLC3A1-related condition. Last evaluated: 2024-09-24. Review status: no assertion criteria provided. Collection method: clinical testing. Allele origin: germline. Not counted in ClinVar's aggregate classification.
Comment: The SLC3A1 c.568A>G variant is predicted to result in the amino acid substitution p.Met190Val. To our knowledge, this variant has not been reported in the literature. This variant is reported in 0.017% of alleles in individuals of Latino descent in gnomAD. At this time, the clinical significance of this variant is uncertain due to the absence of conclusive functional and genetic evidence.